The following is an entry in ClinVar:

ClinVar aggregate classification (germline): Uncertain significance. Review status: criteria provided, multiple submitters, no conflicts (2 of 4 stars). 4 submissions from 4 submitters: Uncertain significance (4). Last evaluated 2024-04-21.

Conditions:
Inborn genetic diseases. Identifiers: MedGen C0950123, MeSH D030342.
Seizures, benign familial infantile, 3 (BFIS3). Also called: CONVULSIONS, BENIGN FAMILIAL INFANTILE, 3; Familial neonatal seizures. Identifiers: Orphanet 140927, Orphanet 306, MedGen C1843140, MONDO:0011904, OMIM 607745.
Developmental and epileptic encephalopathy, 11 (DEE11). Also called: Early infantile epileptic encephalopathy 11. Identifiers: Orphanet 1934, MedGen C3150987, MONDO:0013388, OMIM 613721.

Allele frequency attached by ClinVar (database versions not stated): TOPMed 0.00002.
gnomAD v4.1: 12 of 1,614,092 alleles (0.00074%); highest among the groups gnomAD compares: Non-Finnish European, 0.00093%; no homozygotes.

Submissions (4):

GeneDx
Classification: Uncertain significance. Last evaluated: 2024-04-21. Review status: criteria provided, single submitter. Criteria: GeneDx Variant Classification Process June 2021. Collection method: clinical testing. Allele origin: germline. Affected: yes.
Comment: Not observed at significant frequency in large population cohorts (gnomAD); In silico analysis indicates that this missense variant does not alter protein structure/function; Has not been previously published as pathogenic or benign to our knowledge; This substitution is predicted to be within the C-terminal cytoplasmic domain

Labcorp Genetics (formerly Invitae), Labcorp
Classification: Uncertain significance for Seizures, benign familial infantile, 3; Developmental and epileptic encephalopathy, 11. Last evaluated: 2024-02-23. Review status: criteria provided, single submitter. Criteria: Invitae Variant Classification Sherloc (09022015). Collection method: clinical testing. Allele origin: germline.
Comment: This sequence change replaces lysine, which is basic and polar, with glutamic acid, which is acidic and polar, at codon 1836 of the SCN2A protein (p.Lys1836Glu). This variant is not present in population databases (gnomAD no frequency). This variant has not been reported in the literature in individuals affected with SCN2A-related conditions. ClinVar contains an entry for this variant (Variation ID: 587967). Advanced modeling of protein sequence and biophysical properties (such as structural, functional, and spatial information, amino acid conservation, physicochemical variation, residue mobility, and thermodynamic stability) has been performed at Invitae for this missense variant, however the output from this modeling did not meet the statistical confidence thresholds required to predict the impact of this variant on SCN2A protein function. In summary, the available evidence is currently insufficient to determine the role of this variant in disease. Therefore, it has been classified as a Variant of Uncertain Significance.

ARUP Laboratories, Molecular Genetics and Genomics, ARUP Laboratories
Classification: Uncertain significance. Last evaluated: 2024-02-12. Review status: criteria provided, single submitter. Criteria: ARUP Molecular Germline Variant Investigation Process 2024. Collection method: clinical testing. Allele origin: germline.

Ambry Genetics
Classification: Uncertain significance for Inborn genetic diseases. Last evaluated: 2016-06-22. Review status: criteria provided, single submitter. Criteria: Ambry Variant Classification Scheme 2023. Collection method: clinical testing. Allele origin: germline.
Comment: The p.K1836E variant (also known as c.5506A>G), located in coding exon 26 of the SCN2A gene, results from an A to G substitution at nucleotide position 5506. The lysine at codon 1836 is replaced by glutamic acid, an amino acid with similar properties. This variant was not reported in population based cohorts in the following databases: Database of Single Nucleotide Polymorphisms (dbSNP), NHLBI Exome Sequencing Project (ESP), and 1000 Genomes Project. In the ESP, this variant was not observed in 6503 samples (13006 alleles) with coverage at this position. This amino acid position is highly conserved through mammals but not in all available vertebrate species. In addition, this alteration is predicted to be deleterious by in silico analysis. Based on available evidence to date, the clinical significance of this variant remains unclear.

NM_001040142.2(SCN2A):c.5506A>G (p.Lys1836Glu)

Gene: SCN2A (sodium voltage-gated channel alpha subunit 2; plus strand). Cytogenetic location: 2q24.3.
Variant type: single nucleotide variant.
Coding change: c.5506A>G on transcript NM_001040142.2 (MANE Select); coding-DNA position 5506, A replaced by G.
Protein change: p.Lys1836Glu; replaces lysine 1836 with glutamic acid.
Molecular consequence: missense variant.
Genome position (GRCh38, 1-based): chr2:165,389,312, A>G. VCF-style: chr2-165389312-A-G. GRCh37 (hg19) VCF-style: chr2-166245822-A-G.
Other names: c.5506A>G, p.Lys1836Glu (NM_001040143.2, NM_001371246.1, NM_001371247.1 and 1 more transcripts); short protein forms K1836E.
Identifiers: ClinVar variation 587967 (VCV000587967.15), dbSNP rs779432244, ClinGen allele CA59752799.